The following is an entry in ClinVar:

ClinVar aggregate classification (germline): Uncertain significance (1 of 4 stars; one submission).

Allele frequency attached by ClinVar (database versions not stated): gnomAD exomes below 0.00001; TOPMed below 0.00001; ExAC 0.00001; gnomAD 0.00001; 1000 Genomes Project 30x 0.00016; 1000 Genomes Project 0.00020.
gnomAD v4.1: 1 of 1,613,926 alleles (0.000062%); highest among the groups gnomAD compares: South Asian, 0.0011%; no homozygotes.

Submission:

Laboratory for Molecular Medicine, Mass General Brigham Personalized Medicine
Classification: Uncertain significance. Last evaluated: 2014-11-25. Review status: criteria provided, single submitter. Criteria: LMM Criteria. Collection method: clinical testing. Allele origin: germline. Observed: 2 variant alleles.
Comment: The p.Glu32478Lys variant in TTN has not been previously reported in any other f amilies with cardiomyopathy, but has been identified in 1/16628 South Asian chro mosomes by the Exome Aggregation Consortium (ExAC, g). Computational prediction tools and conservation analysis do not provide stro ng support for or against an impact to the protein. In summary, the clinical sig nificance of the p.Glu32478Lys variant is uncertain.

NM_001267550.2(TTN):c.105136G>A (p.Glu35046Lys)

Genes: TTN (titin; minus strand), TTN-AS1 (TTN antisense RNA 1; plus strand), LOC129935185 (ATAC-STARR-seq lymphoblastoid active region 16810; plus strand). Cytogenetic location: 2q31.2.
Variant type: single nucleotide variant.
Coding change: c.105136G>A on transcript NM_001267550.2 (MANE Select); coding-DNA position 105136, G replaced by A.
Protein change: p.Glu35046Lys; replaces glutamic acid 35046 with lysine.
Molecular consequence: missense variant.
Genome position (GRCh38, 1-based): chr2:178,531,479, C>T on the plus strand (G>A on the coding strand, the complement: TTN is on the minus strand). VCF-style: chr2-178531479-C-T. GRCh37 (hg19) VCF-style: chr2-179396206-C-T.
Other names: c.97432G>A, p.Glu32478Lys (NM_133378.4); c.100213G>A, p.Glu33405Lys (NM_001256850.1); c.77941G>A, p.Glu25981Lys (NM_003319.4); c.78316G>A, p.Glu26106Lys (NM_133432.3); c.78517G>A, p.Glu26173Lys (NM_133437.4); short protein forms E32478K, E35046K, E33405K, E26173K, E25981K, E26106K.
Identifiers: ClinVar variation 180020 (VCV000180020.5), dbSNP rs540500017, ClinGen allele CA185649.